The following is an entry in ClinVar:

NM_006415.4(SPTLC1):c.1030del (p.Leu344fs)

Gene: SPTLC1 (serine palmitoyltransferase long chain base subunit 1; minus strand). Cytogenetic location: 9q22.31.
Variant type: Deletion.
Coding change: c.1030del on transcript NM_006415.4 (MANE Select); coding-DNA position 1030, one base deleted (C; older notation c.1030delC).
Protein change: p.Leu344fs; shifts the reading frame from leucine 344.
Molecular consequence: frameshift variant.
Genome position (GRCh38, 1-based): chr9:92,047,223, G deleted on the plus strand (C on the coding strand, the reverse complement: SPTLC1 is on the minus strand); the first of 4 consecutive G bases (chr9:92,047,223-92,047,226); deleting any one gives the same sequence. VCF-style (leftmost placement, unchanged base first): chr9-92047222-AG-A. GRCh37 (hg19) VCF-style: chr9-94809504-AG-A.
Other names: c.1030del, p.Leu344fs (NM_001281303.2); c.664del, p.Leu222fs (NM_001368272.1); c.565del, p.Leu189fs (NM_001368273.1); short protein forms L189fs, L222fs, L344fs.
Identifiers: ClinVar variation 2803760 (VCV002803760.3), dbSNP rs750429873, ClinGen allele CA2690611135.
Genomic context (GRCh38, chr9:92,047,222, plus strand): 5'-AGGGTTATACCTGGATTCTCTTCCATGATGTTGAGGGCCTCAATTGCTGCAGCAGCTAAC[AG>A]GGGAGGTAACGAAGCTGAAAAGCAGTATCCCTGGCCGGAAAGTCGCTGAGAAGAAACAAA-3'

ClinVar aggregate classification (germline): Uncertain significance (1 of 4 stars; one submission).

Conditions:
Hereditary sensory and autonomic neuropathy type 1 (HSAN1). Also called: HSAN 1; HSN Type I; Hereditary Sensory Neuropathy Type I. Identifiers: Orphanet 36386, MedGen C0020071, MONDO:0018213.

Submission:

Labcorp Genetics (formerly Invitae), Labcorp
Classification: Uncertain significance for Hereditary sensory and autonomic neuropathy type 1. Last evaluated: 2023-10-11. Review status: criteria provided, single submitter. Criteria: Invitae Variant Classification Sherloc (09022015). Collection method: clinical testing. Allele origin: germline.
Comment: This sequence change creates a premature translational stop signal (p.Leu344Cysfs*2) in the SPTLC1 gene. It is expected to result in an absent or disrupted protein product. However, the current clinical and genetic evidence is not sufficient to establish whether loss-of-function variants in SPTLC1 cause disease. This variant is not present in population databases (gnomAD no frequency). This variant has not been reported in the literature in individuals affected with SPTLC1-related conditions. In summary, the available evidence is currently insufficient to determine the role of this variant in disease. Therefore, it has been classified as a Variant of Uncertain Significance.